The following is an entry in ClinVar:

ClinVar aggregate classification (germline): Likely benign. Review status: criteria provided, multiple submitters, no conflicts (2 of 4 stars). 2 submissions from 2 submitters: Likely benign (2). Last evaluated 2026-08-01.

Submissions (2):

CeGaT Center for Human Genetics Tuebingen
Classification: Likely benign. Last evaluated: 2026-08-01. Review status: criteria provided, single submitter. Criteria: CeGaT Center For Human Genetics Tuebingen Variant Classification Criteria Version 2. Collection method: clinical testing. Allele origin: germline. Affected: yes. Observed: 1 variant allele.
Comment: SCN3A: BP4

Labcorp Genetics (formerly Invitae), Labcorp
Classification: Likely benign. Last evaluated: 2025-12-03. Review status: criteria provided, single submitter. Criteria: Invitae Variant Classification Sherloc (09022015). Collection method: clinical testing. Allele origin: germline.

NM_006922.4(SCN3A):c.3966+8_3966+10del

Gene: SCN3A (sodium voltage-gated channel alpha subunit 3; minus strand). Cytogenetic location: 2q24.3.
Variant type: Microsatellite.
Coding change: c.3966+8_3966+10del on transcript NM_006922.4 (MANE Select); bases 8 to 10 of the intron after coding-DNA position 3966, 3 bases deleted (GAA; older notation c.3966+8_3966+10delGAA).
Molecular consequence: intron variant.
Genome position (GRCh38, 1-based): chr2:165,100,292-165,100,294, TTC deleted on the plus strand (GAA on the coding strand, the reverse complement: SCN3A is on the minus strand); deleting any 3 consecutive bases within chr2:165,100,292-165,100,299 gives the same sequence; the c. name uses the placement nearest the transcript's 3' end. VCF-style (leftmost placement, unchanged base first): chr2-165100291-ATTC-A. GRCh37 (hg19) VCF-style: chr2-165956801-ATTC-A.
Other names: c.3966+8_3966+10del (NM_006922.3); c.3819+8_3819+10del (NM_001081676.2, NM_001081677.2).
Identifiers: ClinVar variation 412607 (VCV000412607.12), dbSNP rs765610680, ClinGen allele CA1938681.